The following is an entry in ClinVar:

ClinVar aggregate classification (germline): Uncertain significance (1 of 4 stars; one submission).

Conditions:
Peutz-Jeghers syndrome (PJS). Also called: Peutz-Jeghers polyposis; Periorificial lentiginosis syndrome; POLYPOSIS, HAMARTOMATOUS INTESTINAL; POLYPS-AND-SPOTS SYNDROME. Identifiers: Orphanet 2869, MedGen C0031269, MeSH D010580, MONDO:0008280, OMIM 175200.

Submission:

Labcorp Genetics (formerly Invitae), Labcorp
Classification: Uncertain significance for Peutz-Jeghers syndrome. Last evaluated: 2016-09-06. Review status: criteria provided, single submitter. Criteria: Invitae Variant Classification Sherloc (09022015). Collection method: clinical testing. Allele origin: germline.
Comment: This sequence change replaces lysine with glutamine at codon 312 of the STK11 protein (p.Lys312Gln). The lysine residue is highly conserved and there is a small physicochemical difference between lysine and glutamine. This variant is not present in population databases (ExAC no frequency) and has not been reported in the literature in individuals with a STK11-related disease. Algorithms developed to predict the effect of missense changes on protein structure and function (SIFT, PolyPhen-2, Align-GVGD) all suggest that this variant is likely to be tolerated, but these predictions have not been confirmed by published functional studies. In summary, this variant is a novel missense change that is not predicted to affect protein function. There is no indication that it causes disease, but the available evidence is currently insufficient to prove that conclusively. Therefore, it has been classified as a Variant of Uncertain Significance.

NM_000455.5(STK11):c.934A>C (p.Lys312Gln)

Gene: STK11 (serine/threonine kinase 11; plus strand). Cytogenetic location: 19p13.3.
Variant type: single nucleotide variant.
Coding change: c.934A>C on transcript NM_000455.5 (MANE Select); coding-DNA position 934, A replaced by C.
Protein change: p.Lys312Gln; replaces lysine 312 with glutamine.
Molecular consequence: missense variant.
Genome position (GRCh38, 1-based): chr19:1,222,998, A>C. VCF-style: chr19-1222998-A-C. GRCh37 (hg19) VCF-style: chr19-1222997-A-C.
Other names: short protein forms K312Q.
Identifiers: ClinVar variation 403764 (VCV000403764.8), dbSNP rs1060499952, ClinGen allele CA16616023.
Genomic context (GRCh38, chr19:1,222,998, plus strand): 5'-GCCCTGGTGCCAGCCTGACAGGCGCCACTGCTTCTGGGCGTTTGCAGCTGGTTCCGGAAG[A>C]AACATCCTCCGGCTGAAGCACCAGTGCCCATCCCACCGAGCCCAGACACCAAGGACCGGT-3'
Protein context (NP_000446.1, residues 302-322): QIRQHSWFRK[Lys312Gln]HPPAEAPVPI